The following is an entry in ClinVar:

NM_014297.5(ETHE1):c.457G>C (p.Gly153Arg)

Gene: ETHE1 (ETHE1 persulfide dioxygenase; minus strand). Cytogenetic location: 19q13.31.
Variant type: single nucleotide variant.
Coding change: c.457G>C on transcript NM_014297.5 (MANE Select); coding-DNA position 457, G replaced by C.
Protein change: p.Gly153Arg; replaces glycine 153 with arginine.
Molecular consequence: missense variant.
Genome position (GRCh38, 1-based): chr19:43,511,485, C>G on the plus strand (G>C on the coding strand, the complement: ETHE1 is on the minus strand). VCF-style: chr19-43511485-C-G. GRCh37 (hg19) VCF-style: chr19-44015637-C-G.
Other names: c.424G>C, p.Gly142Arg (NM_001320867.2); c.88G>C, p.Gly30Arg (NM_001320868.2); c.163G>C, p.Gly55Arg (NM_001320869.2); short protein forms G142R, G30R, G55R, G153R.
Identifiers: ClinVar variation 1366234 (VCV001366234.6), dbSNP rs2145984641, ClinGen allele CA406175536.

ClinVar aggregate classification (germline): Uncertain significance (1 of 4 stars; one submission).

Conditions:
Ethylmalonic encephalopathy (EE). Also called: EPEMA syndrome; Encephalopathy, petechiae, and ethylmalonic aciduria; Syndrome of encephalopathy, petechiae, and ethylmalonic aciduria. Identifiers: Orphanet 51188, MedGen C1865349, MONDO:0011229, OMIM 602473. Disease mechanism: loss of function.

Submission:

Labcorp Genetics (formerly Invitae), Labcorp
Classification: Uncertain significance for Ethylmalonic encephalopathy. Last evaluated: 2022-07-06. Review status: criteria provided, single submitter. Criteria: Invitae Variant Classification Sherloc (09022015). Collection method: clinical testing. Allele origin: germline.
Comment: This variant has not been reported in the literature in individuals affected with ETHE1-related conditions. In summary, the available evidence is currently insufficient to determine the role of this variant in disease. Therefore, it has been classified as a Variant of Uncertain Significance. Advanced modeling of protein sequence and biophysical properties (such as structural, functional, and spatial information, amino acid conservation, physicochemical variation, residue mobility, and thermodynamic stability) performed at Invitae indicates that this missense variant is expected to disrupt ETHE1 protein function. ClinVar contains an entry for this variant (Variation ID: 1366234). This variant is not present in population databases (gnomAD no frequency). This sequence change replaces glycine, which is neutral and non-polar, with arginine, which is basic and polar, at codon 153 of the ETHE1 protein (p.Gly153Arg).